The following is an entry in ClinVar:

NM_001371279.1(REEP1):c.356T>C (p.Val119Ala)

Gene: REEP1 (receptor accessory protein 1; minus strand). Cytogenetic location: 2p11.2.
Variant type: single nucleotide variant.
Coding change: c.356T>C on transcript NM_001371279.1 (MANE Select); coding-DNA position 356, T replaced by C.
Protein change: p.Val119Ala; replaces valine 119 with alanine.
Molecular consequence: missense variant. On other transcripts: intron variant (1).
Genome position (GRCh38, 1-based): chr2:86,252,018, A>G on the plus strand (T>C on the coding strand, the complement: REEP1 is on the minus strand). VCF-style: chr2-86252018-A-G. GRCh37 (hg19) VCF-style: chr2-86479141-A-G.
Other names: c.377T>C, p.Val126Ala (NM_001164730.2); c.275T>C, p.Val92Ala (NM_001164731.2); c.356T>C, p.Val119Ala (NM_001371280.1, NM_001410855.1, NM_001410856.1 and 1 more transcripts); c.182+11947T>C (NM_001164732.2); short protein forms V126A, V92A, V119A.
Identifiers: ClinVar variation 4986652 (VCV004986652.1).

ClinVar aggregate classification (germline): Uncertain significance (1 of 4 stars; one submission).

Conditions:
REEP1-related disorder. Also called: REEP1-related condition.

gnomAD v4.1: 3 of 1,614,144 alleles (0.00019%); highest among the groups gnomAD compares: Non-Finnish European, 0.00025%; no homozygotes.

Submission:

PreventionGenetics, part of Exact Sciences
Classification: Uncertain significance for REEP1-related condition. Last evaluated: 2026-08-25. Review status: criteria provided, single submitter. Criteria: ACMG Guidelines, 2015. Collection method: clinical testing. Allele origin: germline.
Comment: The REEP1 c.356T>C variant is predicted to result in the amino acid substitution p.Val119Ala. To our knowledge, this variant has not been reported in the literature. This variant is reported in 0.00088% of alleles in individuals of European (Non-Finnish) descent in gnomAD. At this time, the clinical significance of this variant is uncertain due to the absence of conclusive functional and genetic evidence.